The following is an entry in ClinVar:

ClinVar aggregate classification (germline): Benign/Likely benign. Review status: criteria provided, multiple submitters, no conflicts (2 of 4 stars). 6 submissions from 6 submitters: Benign (1); Likely benign (5). Last evaluated 2025-12-02.

Conditions:
Multiple endocrine neoplasia, type 2 (MEN2). Identifiers: Orphanet 653, MedGen C4048306, MONDO:0019003. Disease mechanism: gain of function.
Multiple endocrine neoplasia type 2A. Also called: MULTIPLE ENDOCRINE NEOPLASIA, TYPE IIA; PTC SYNDROME; SIPPLE SYNDROME; MEN 2A; MEN-2A syndrome; Pheochromocytoma and amyloid producing medullary thyroid carcinoma. Identifiers: Orphanet 247698, Orphanet 653, MedGen C0025268, MeSH D018813, MONDO:0008234, OMIM 171400.
Hereditary cancer-predisposing syndrome. Also called: Neoplastic Syndromes, Hereditary; Tumor predisposition; Hereditary Cancer Syndrome; Hereditary neoplastic syndrome. Identifiers: Orphanet 140162, MedGen C0027672, MeSH D009386, MONDO:0015356.

Allele frequency attached by ClinVar (database versions not stated): gnomAD exomes 0.00001; TOPMed 0.00002; ExAC 0.00003; ESP Exome Variant Server 0.00008.
gnomAD v4.1: 7 of 1,613,546 alleles (0.00043%); highest among the groups gnomAD compares: Admixed American, 0.0033%; no homozygotes.

Submissions (6):

Labcorp Genetics (formerly Invitae), Labcorp
Classification: Likely benign for Multiple endocrine neoplasia, type 2. Last evaluated: 2025-12-02. Review status: criteria provided, single submitter. Criteria: Invitae Variant Classification Sherloc (09022015). Collection method: clinical testing. Allele origin: germline.

Myriad Genetics, Inc.
Classification: Benign for Multiple endocrine neoplasia type 2A. Last evaluated: 2025-02-25. Review status: criteria provided, single submitter. Criteria: Myriad Autosomal Dominant, Autosomal Recessive and X-Linked Classification Criteria (2023). Collection method: clinical testing. Allele origin: unknown.
Comment: This variant is considered benign. This variant is a silent/synonymous amino acid change and it is not expected to impact splicing.

Blueprint Genetics
Classification: Likely benign. Last evaluated: 2024-05-30. Review status: criteria provided, single submitter. Criteria: ACMG Guidelines, 2015. Collection method: clinical testing. Allele origin: germline.

All of Us Research Program, National Institutes of Health
Classification: Likely benign for Multiple endocrine neoplasia, type 2. Last evaluated: 2024-05-14. Review status: criteria provided, single submitter. Criteria: ACMG Guidelines, 2015. Collection method: clinical testing. Allele origin: germline. Inheritance: Autosomal dominant inheritance. Observed: 3 variant alleles, 3 heterozygotes.
Comment: This study involves interpretation of variants in research participants for the purpose of population health screening. Participant phenotype was not available at the time of variant classification. Additional details can be found in publication PMID: 35346344, PMCID: PMC8962531

Sema4
Classification: Likely benign for Hereditary cancer-predisposing syndrome. Last evaluated: 2021-03-18. Review status: criteria provided, single submitter. Criteria: Sema4 Curation Guidelines. Collection method: curation. Allele origin: germline.

Ambry Genetics
Classification: Likely benign for Hereditary cancer-predisposing syndrome. Last evaluated: 2020-01-13. Review status: criteria provided, single submitter. Criteria: Ambry Variant Classification Scheme 2023. Collection method: clinical testing. Allele origin: germline.

NM_020975.6(RET):c.1047G>A (p.Ala349=)

Gene: RET (ret proto-oncogene; plus strand). Cytogenetic location: 10q11.21.
Variant type: single nucleotide variant.
Coding change: c.1047G>A on transcript NM_020975.6 (MANE Select); coding-DNA position 1047, G replaced by A.
Protein change: p.Ala349=; no amino-acid change (alanine 349 retained).
Molecular consequence: synonymous variant. On other transcripts: intron variant (25).
Genome position (GRCh38, 1-based): chr10:43,106,555, G>A. VCF-style: chr10-43106555-G-A. GRCh37 (hg19) VCF-style: chr10-43602003-G-A.
Other names: c.1047G>A, p.Ala349= (NM_000323.2, NM_001406743.1, NM_001406744.1 and 6 more transcripts); c.285G>A, p.Ala95= (NM_001355216.2); c.918G>A, p.Ala306= (NM_001406761.1, NM_001406762.1, NM_001406764.1 and 1 more transcripts); c.759G>A, p.Ala253= (NM_001406766.1, NM_001406767.1, NM_001406770.1); c.867+1362G>A (NM_001406772.1, NM_001406769.1); c.626-2476G>A (NM_001406773.1, NM_001406771.1); c.625+3926G>A (NM_001406782.1, NM_001406780.1, NM_001406779.1 and 3 more transcripts); c.738+1362G>A (NM_001406774.1); and 5 more.
Identifiers: ClinVar variation 543777 (VCV000543777.18), dbSNP rs373208682, ClinGen allele CA030892.
Genomic context (GRCh38, chr10:43,106,555, plus strand): 5'-CCGGGTGGAACACTGGCCCAACGAGACCTCGGTCCAGGCCAACGGCAGCTTCGTGCGGGC[G>A]ACCGTACATGACTATAGTAAGAGGGGCTGGTGGCACGGCCTGGCTAGGCCCCCAGGAAAT-3'
Protein context (NP_066124.1, residues 339-359): SVQANGSFVR[Ala349=]TVHDYRLVLN